The following is an entry in ClinVar:

NM_173842.3(IL1RN):c.259G>A (p.Gly87Arg)

Gene: IL1RN (interleukin 1 receptor antagonist; plus strand). Cytogenetic location: 2q14.1.
Variant type: single nucleotide variant.
Coding change: c.259G>A on transcript NM_173842.3 (MANE Select); coding-DNA position 259, G replaced by A.
Protein change: p.Gly87Arg; replaces glycine 87 with arginine.
Molecular consequence: missense variant.
Genome position (GRCh38, 1-based): chr2:113,131,098, G>A. VCF-style: chr2-113131098-G-A. GRCh37 (hg19) VCF-style: chr2-113888675-G-A.
Other names: c.157G>A, p.Gly53Arg (NM_173843.3, NM_001318914.2, NM_001379360.1); c.205G>A, p.Gly69Arg (NM_000577.5); c.268G>A, p.Gly90Arg (NM_173841.3); short protein forms G53R, G69R, G90R, G87R.
Identifiers: ClinVar variation 1446677 (VCV001446677.5), dbSNP rs748958762, ClinGen allele CA1838845.

ClinVar aggregate classification (germline): Uncertain significance (1 of 4 stars; one submission).

Conditions:
Sterile multifocal osteomyelitis with periostitis and pustulosis. Also called: CHRONIC RECURRENT MULTIFOCAL OSTEOMYELITIS 2, WITH PERIOSTITIS AND PUSTULOSIS. Identifiers: Orphanet 210115, MedGen C2748507, MONDO:0013021, OMIM 612852.

Allele frequency attached by ClinVar (database versions not stated): ExAC 0.00001; gnomAD 0.00001 and 0.00002; gnomAD exomes 0.00001 and 0.00003; TOPMed 0.00003.
gnomAD v4.1: 39 of 1,613,810 alleles (0.0024%); highest among the groups gnomAD compares: Non-Finnish European, 0.0031%; no homozygotes.

Submission:

Labcorp Genetics (formerly Invitae), Labcorp
Classification: Uncertain significance for Sterile multifocal osteomyelitis with periostitis and pustulosis. Last evaluated: 2021-09-01. Review status: criteria provided, single submitter. Criteria: Invitae Variant Classification Sherloc (09022015). Collection method: clinical testing. Allele origin: germline.
Comment: This sequence change replaces glycine with arginine at codon 90 of the IL1RN protein (p.Gly90Arg). The glycine residue is highly conserved and there is a moderate physicochemical difference between glycine and arginine. This variant is present in population databases (rs748958762, ExAC 0.001%). This variant has not been reported in the literature in individuals affected with IL1RN-related conditions. Algorithms developed to predict the effect of missense changes on protein structure and function output the following: SIFT: "Deleterious"; PolyPhen-2: "Benign"; Align-GVGD: "Class C65". The arginine amino acid residue is found in multiple mammalian species, which suggests that this missense change does not adversely affect protein function. Algorithms developed to predict the effect of sequence changes on RNA splicing suggest that this variant may create or strengthen a splice site. In summary, the available evidence is currently insufficient to determine the role of this variant in disease. Therefore, it has been classified as a Variant of Uncertain Significance.